The following is an entry in ClinVar:

NM_020843.4(SCAPER):c.3917A>G (p.Gln1306Arg)

Gene: SCAPER (S-phase cyclin A associated protein in the ER; minus strand). Cytogenetic location: 15q24.3.
Variant type: single nucleotide variant.
Coding change: c.3917A>G on transcript NM_020843.4 (MANE Select); coding-DNA position 3917, A replaced by G.
Protein change: p.Gln1306Arg; replaces glutamine 1306 with arginine.
Molecular consequence: missense variant. On other transcripts: non-coding transcript variant (1).
Genome position (GRCh38, 1-based): chr15:76,354,079, T>C on the plus strand (A>G on the coding strand, the complement: SCAPER is on the minus strand). VCF-style: chr15-76354079-T-C. GRCh37 (hg19) VCF-style: chr15-76646420-T-C.
Other names: c.3935A>G (NM_001353009.1); c.3179A>G, p.Gln1060Arg (NM_001145923.2); c.3935A>G, p.Gln1312Arg (NM_001353009.2); c.3515A>G, p.Gln1172Arg (NM_001353010.2, NM_001353012.2); c.3533A>G, p.Gln1178Arg (NM_001353011.2); short protein forms Q1060R, Q1306R, Q1178R, Q1312R, Q1172R.
Identifiers: ClinVar variation 3792966 (VCV003792966.2).
Genomic context (GRCh38, chr15:76,354,079, plus strand): 5'-TAACAAGCAGCGATAAGTGAAGGGAACAGTACTTTGATCAGCCGTGGGTCACTGAAATAC[T>C]GGAAGGGCAACTGGCAGAGCTTCTGCAGCACTGTGGGGTGGCGGCCGGACTGCACGATCA-3'
Protein context (NP_065894.2, residues 1296-1316): VLQKLCQLPF[Gln1306Arg]YFSDPRLIKV

ClinVar aggregate classification (germline): Uncertain significance. Review status: criteria provided, multiple submitters, no conflicts (2 of 4 stars). 2 submissions from 2 submitters: Uncertain significance (2). Last evaluated 2025-08-26.

Conditions:
SCAPER-related disorder. Also called: SCAPER-related condition.
Inborn genetic diseases. Identifiers: MedGen C0950123, MeSH D030342.

gnomAD v4.1: 5 of 1,611,178 alleles (0.00031%); highest among the groups gnomAD compares: African/African-American, 0.0013%; no homozygotes.

Submissions (2):

PreventionGenetics, part of Exact Sciences
Classification: Uncertain significance for SCAPER-related condition. Last evaluated: 2025-08-26. Review status: criteria provided, single submitter. Criteria: ACMG Guidelines, 2015. Collection method: clinical testing. Allele origin: germline.
Comment: The SCAPER c.3935A>G variant is predicted to result in the amino acid substitution p.Gln1312Arg. To our knowledge, this variant has not been reported in the literature or in a large population database (gnomAD), indicating this variant is rare. At this time, the clinical significance of this variant is uncertain due to the absence of conclusive functional and genetic evidence.

Ambry Genetics
Classification: Uncertain significance for Inborn genetic diseases. Last evaluated: 2024-12-31. Review status: criteria provided, single submitter. Criteria: Ambry Variant Classification Scheme 2023. Collection method: clinical testing. Allele origin: germline.